The following is an entry in ClinVar:

NM_024649.5(BBS1):c.366_369delinsAAA (p.Phe122fs)

Gene: BBS1 (Bardet-Biedl syndrome 1; plus strand). Cytogenetic location: 11q13.2.
Variant type: Indel.
Coding change: c.366_369delinsAAA on transcript NM_024649.5 (MANE Select); coding-DNA positions 366 to 369, CAAG replaced by AAA.
Protein change: p.Phe122fs; shifts the reading frame from phenylalanine 122.
Molecular consequence: frameshift variant.
Genome position (GRCh38, 1-based): chr11:66,514,612-66,514,615, CAAG replaced by AAA. VCF-style: chr11-66514612-CAAG-AAA. GRCh37 (hg19) VCF-style: chr11-66282083-CAAG-AAA.
Other names: short protein forms F122fs.
Identifiers: ClinVar variation 5013117 (VCV005013117.1).

ClinVar aggregate classification (germline): Pathogenic (1 of 4 stars; one submission).

Conditions:
Bardet-Biedl syndrome 1 (BBS1). Identifiers: MedGen C2936862, MONDO:0008854, OMIM 209900. Disease mechanism: loss of function.

Submission:

Myriad Genetics, Inc.
Classification: Pathogenic for Bardet-Biedl syndrome 1. Last evaluated: 2024-05-25. Review status: criteria provided, single submitter. Criteria: Myriad Autosomal Dominant, Autosomal Recessive and X-Linked Classification Criteria (2023). Collection method: clinical testing. Allele origin: unknown.
Comment: NM_024649.4(BBS1):c.366_369delCAAGinsAAA(F122Lfs*29) is expected to be pathogenic in the context of Bardet-Biedl syndrome, BBS1-related. This variant is predicted to lead to an abnormal or absent protein product due to the creation of a premature termination codon in BBS1, a gene where loss-of-function variants are known to be pathogenic. Please note: this variant was assessed in the context of healthy population screening.